The following is an entry in ClinVar:

NM_004369.4(COL6A3):c.3147G>T (p.Glu1049Asp)

Gene: COL6A3 (collagen type VI alpha 3 chain; minus strand). Cytogenetic location: 2q37.3.
Variant type: single nucleotide variant.
Coding change: c.3147G>T on transcript NM_004369.4 (MANE Select); coding-DNA position 3147, G replaced by T.
Protein change: p.Glu1049Asp; replaces glutamic acid 1049 with aspartic acid.
Molecular consequence: missense variant.
Genome position (GRCh38, 1-based): chr2:237,374,944, C>A on the plus strand (G>T on the coding strand, the complement: COL6A3 is on the minus strand). VCF-style: chr2-237374944-C-A. GRCh37 (hg19) VCF-style: chr2-238283587-C-A.
Other names: c.1926G>T, p.Glu642Asp (NM_057164.5); c.2529G>T, p.Glu843Asp (NM_057165.5, NM_057167.4); c.1326G>T, p.Glu442Asp (NM_057166.5); short protein forms E1049D, E843D, E442D, E642D.
Identifiers: ClinVar variation 2811115 (VCV002811115.3), dbSNP rs757707163, ClinGen allele CA2189230.

ClinVar aggregate classification (germline): Uncertain significance (1 of 4 stars; one submission).

Conditions:
Bethlem myopathy 1A. Also called: Bethlem myopathy 1; MYOPATHY, BENIGN CONGENITAL, WITH CONTRACTURES; Bethlem Muscular Dystrophy. Identifiers: Orphanet 610, MedGen CN029274, MONDO:0024530, OMIM 158810.

Allele frequency attached by ClinVar (database versions not stated): ExAC 0.00001.
gnomAD v4.1: 1 of 1,613,998 alleles (0.000062%); highest among the groups gnomAD compares: South Asian, 0.0011%; no homozygotes.

Submission:

Labcorp Genetics (formerly Invitae), Labcorp
Classification: Uncertain significance for Bethlem myopathy 1A. Last evaluated: 2023-02-17. Review status: criteria provided, single submitter. Criteria: Invitae Variant Classification Sherloc (09022015). Collection method: clinical testing. Allele origin: germline.
Comment: In summary, the available evidence is currently insufficient to determine the role of this variant in disease. Therefore, it has been classified as a Variant of Uncertain Significance. This sequence change replaces glutamic acid, which is acidic and polar, with aspartic acid, which is acidic and polar, at codon 1049 of the COL6A3 protein (p.Glu1049Asp). This variant is not present in population databases (gnomAD no frequency). This variant has not been reported in the literature in individuals affected with COL6A3-related conditions. Advanced modeling of protein sequence and biophysical properties (such as structural, functional, and spatial information, amino acid conservation, physicochemical variation, residue mobility, and thermodynamic stability) performed at Invitae indicates that this missense variant is not expected to disrupt COL6A3 protein function.